The following is an entry in ClinVar:

ClinVar aggregate classification (germline): Uncertain significance (1 of 4 stars; one submission).

Conditions:
Catecholaminergic polymorphic ventricular tachycardia 1. Also called: VENTRICULAR TACHYCARDIA, STRESS-INDUCED POLYMORPHIC 1; VENTRICULAR TACHYCARDIA, CATECHOLAMINERGIC POLYMORPHIC, 1, WITH OR WITHOUT ATRIAL DYSFUNCTION AND/OR DILATED CARDIOMYOPATHY; RYR2-Related Catecholaminergic Polymorphic Ventricular Tachycardia. Identifiers: Orphanet 3286, MedGen C1631597, MONDO:0011484, OMIM 604772.

Submission:

Labcorp Genetics (formerly Invitae), Labcorp
Classification: Uncertain significance for Catecholaminergic polymorphic ventricular tachycardia 1. Last evaluated: 2021-01-24. Review status: criteria provided, single submitter. Criteria: Invitae Variant Classification Sherloc (09022015). Collection method: clinical testing. Allele origin: germline.
Comment: This variant has not been reported in the literature in individuals with CASQ2-related conditions. Algorithms developed to predict the effect of missense changes on protein structure and function (SIFT, PolyPhen-2, Align-GVGD) all suggest that this variant is likely to be tolerated, but these predictions have not been confirmed by published functional studies and their clinical significance is uncertain. In summary, the available evidence is currently insufficient to determine the role of this variant in disease. Therefore, it has been classified as a Variant of Uncertain Significance. This variant is not present in population databases (ExAC no frequency). This sequence change replaces alanine with threonine at codon 96 of the CASQ2 protein (p.Ala96Thr). The alanine residue is weakly conserved and there is a small physicochemical difference between alanine and threonine.

NM_001232.4(CASQ2):c.286G>A (p.Ala96Thr)

Gene: CASQ2 (calsequestrin 2; minus strand). Cytogenetic location: 1p13.1.
Variant type: single nucleotide variant.
Coding change: c.286G>A on transcript NM_001232.4 (MANE Select); coding-DNA position 286, G replaced by A.
Protein change: p.Ala96Thr; replaces alanine 96 with threonine.
Molecular consequence: missense variant.
Genome position (GRCh38, 1-based): chr1:115,744,861, C>T on the plus strand (G>A on the coding strand, the complement: CASQ2 is on the minus strand). VCF-style: chr1-115744861-C-T. GRCh37 (hg19) VCF-style: chr1-116287482-C-T.
Other names: short protein forms A96T.
Identifiers: ClinVar variation 1366640 (VCV001366640.9), dbSNP rs2101100994, ClinGen allele CA341765375.